The following is an entry in ClinVar:

NM_014370.4(SRPK3):c.853C>T (p.Arg285Trp)

Gene: SRPK3 (SRSF protein kinase 3; plus strand). Cytogenetic location: Xq28.
Variant type: single nucleotide variant.
Coding change: c.853C>T on transcript NM_014370.4 (MANE Select); coding-DNA position 853, C replaced by T.
Protein change: p.Arg285Trp; replaces arginine 285 with tryptophan.
Molecular consequence: missense variant.
Genome position (GRCh38, 1-based): chrX:153,783,830, C>T. VCF-style: chrX-153783830-C-T. GRCh37 (hg19) VCF-style: chrX-153049285-C-T.
Other names: c.850C>T, p.Arg284Trp (NM_001170760.2, NM_001170761.2); short protein forms R284W, R285W.
Identifiers: ClinVar variation 4795414 (VCV004795414.1).
Genomic context (GRCh38, chrX:153,783,830, plus strand): 5'-AAAAACAAGAGGAAGAAGATGAGGCGCAAACGGAAACAGCAGAAGCGGCTGCTGGAGGAG[C>T]GGCTGCGGGACCTGCAGAGGCTGGAGGCCATGGAGGCTGCCACCCAGGCTGAGGGTGAGG-3'
Protein context (NP_055185.2, residues 275-295): RKQQKRLLEE[Arg285Trp]LRDLQRLEAM

ClinVar aggregate classification (germline): Uncertain significance (1 of 4 stars; one submission).

gnomAD v4.1: 6 of 1,200,598 alleles (0.0005%); highest among the groups gnomAD compares: Non-Finnish European, 0.00067%; no homozygotes.

Submission:

GeneDx
Classification: Uncertain significance. Last evaluated: 2025-08-01. Review status: criteria provided, single submitter. Criteria: GeneDx Variant Classification Process June 2021. Collection method: clinical testing. Allele origin: germline. Affected: yes.
Comment: Not observed at significant frequency in large population cohorts (gnomAD); In silico analysis supports that this missense variant has a deleterious effect on protein structure/function; Has not been previously published as pathogenic or benign to our knowledge